The following is an entry in ClinVar:

NM_002617.4(PEX10):c.406C>T (p.Arg136Cys)

Gene: PEX10 (peroxisomal biogenesis factor 10; minus strand). Cytogenetic location: 1p36.32.
Variant type: single nucleotide variant.
Coding change: c.406C>T on transcript NM_002617.4 (MANE Select); coding-DNA position 406, C replaced by T.
Protein change: p.Arg136Cys; replaces arginine 136 with cysteine.
Molecular consequence: missense variant. On other transcripts: non-coding transcript variant (1), 5 prime UTR variant (2).
Genome position (GRCh38, 1-based): chr1:2,408,646, G>A on the plus strand (C>T on the coding strand, the complement: PEX10 is on the minus strand). VCF-style: chr1-2408646-G-A. GRCh37 (hg19) VCF-style: chr1-2340085-G-A.
Other names: c.406C>T, p.Arg136Cys (NM_153818.2, NM_001374425.1); c.-27C>T (NM_001374426.1, NM_001374427.1); short protein forms R136C.
Identifiers: ClinVar variation 2420864 (VCV002420864.6), dbSNP rs1484188014, ClinGen allele CA337988081.

ClinVar aggregate classification (germline): Uncertain significance (1 of 4 stars; one submission).

Conditions:
Peroxisome biogenesis disorder, complementation group 7 (CG7). Also called: Peroxisome biogenesis disorder, complementation group B. Identifiers: MedGen C1864399.

Allele frequency attached by ClinVar (database versions not stated): TOPMed below 0.00001; gnomAD exomes 0.00001.
gnomAD v4.1: 3 of 1,610,540 alleles (0.00019%); highest among the groups gnomAD compares: South Asian, 0.0022%; no homozygotes.

Submission:

Labcorp Genetics (formerly Invitae), Labcorp
Classification: Uncertain significance for Peroxisome biogenesis disorder, complementation group 7. Last evaluated: 2022-05-25. Review status: criteria provided, single submitter. Criteria: Invitae Variant Classification Sherloc (09022015). Collection method: clinical testing. Allele origin: germline.
Comment: This sequence change replaces arginine, which is basic and polar, with cysteine, which is neutral and slightly polar, at codon 136 of the PEX10 protein (p.Arg136Cys). In summary, the available evidence is currently insufficient to determine the role of this variant in disease. Therefore, it has been classified as a Variant of Uncertain Significance. Algorithms developed to predict the effect of sequence changes on RNA splicing suggest that this variant may create or strengthen a splice site. Algorithms developed to predict the effect of missense changes on protein structure and function are either unavailable or do not agree on the potential impact of this missense change (SIFT: "Deleterious"; PolyPhen-2: "Benign"; Align-GVGD: "Class C0"). This variant has not been reported in the literature in individuals affected with PEX10-related conditions. This variant is present in population databases (no rsID available, gnomAD 0.003%).